The following is an entry in ClinVar:

NM_000057.4(BLM):c.2366T>G (p.Leu789Trp)

Gene: BLM (BLM RecQ like helicase; plus strand). Cytogenetic location: 15q26.1.
Variant type: single nucleotide variant.
Coding change: c.2366T>G on transcript NM_000057.4 (MANE Select); coding-DNA position 2366, T replaced by G.
Protein change: p.Leu789Trp; replaces leucine 789 with tryptophan.
Molecular consequence: missense variant.
Genome position (GRCh38, 1-based): chr15:90,769,191, T>G. VCF-style: chr15-90769191-T-G. GRCh37 (hg19) VCF-style: chr15-91312421-T-G.
Other names: c.2366T>G, p.Leu789Trp (NM_001287246.2, NM_001287247.2); c.1241T>G, p.Leu414Trp (NM_001287248.2); short protein forms L414W, L789W.
Identifiers: ClinVar variation 3224195 (VCV003224195.1), dbSNP rs2505454657, ClinGen allele CA393845147.

ClinVar aggregate classification (germline): Uncertain significance (1 of 4 stars; one submission).

Conditions:
Hereditary cancer-predisposing syndrome. Also called: Tumor predisposition; Hereditary neoplastic syndrome; Hereditary Cancer Syndrome; Neoplastic Syndromes, Hereditary. Identifiers: Orphanet 140162, MedGen C0027672, MeSH D009386, MONDO:0015356.

Submission:

Ambry Genetics
Classification: Uncertain significance for Hereditary cancer-predisposing syndrome. Last evaluated: 2023-10-05. Review status: criteria provided, single submitter. Criteria: Ambry Variant Classification Scheme 2023. Collection method: clinical testing. Allele origin: germline.
Comment: The p.L789W variant (also known as c.2366T>G), located in coding exon 10 of the BLM gene, results from a T to G substitution at nucleotide position 2366. The leucine at codon 789 is replaced by tryptophan, an amino acid with similar properties. This amino acid position is highly conserved in available vertebrate species. In addition, this alteration is predicted to be deleterious by in silico analysis. Since supporting evidence is limited at this time, the clinical significance of this alteration remains unclear.